The following is an entry in ClinVar:

NM_001458.5(FLNC):c.8110_8111insC (p.Tyr2704fs)

Genes: FLNC (filamin C; plus strand), FLNC-AS1 (FLNC antisense RNA 1; minus strand). Cytogenetic location: 7q32.1.
Variant type: Insertion.
Coding change: c.8110_8111insC on transcript NM_001458.5 (MANE Select); coding-DNA positions 8110 to 8111, C inserted.
Protein change: p.Tyr2704fs; shifts the reading frame from tyrosine 2704.
Molecular consequence: frameshift variant.
Genome position: GRCh38 VCF-style: chr7-128858455-T-TC. GRCh37 (hg19) VCF-style: chr7-128498509-T-TC.
Other names: c.8011_8012insC, p.Tyr2671fs (NM_001127487.2); short protein forms Y2671fs, Y2704fs.
Identifiers: ClinVar variation 2040119 (VCV002040119.4), dbSNP rs2536673900, ClinGen allele CA2580076625.

ClinVar aggregate classification (germline): Uncertain significance (1 of 4 stars; one submission).

Conditions:
Hypertrophic cardiomyopathy 26. Also called: Cardiomyopathy, familial hypertrophic, 26. Identifiers: Orphanet 75249, MedGen C4310749, MONDO:0014883, OMIM 617047.
Distal myopathy with posterior leg and anterior hand involvement. Also called: WILLIAMS DISTAL MYOPATHY. Identifiers: Orphanet 63273, MedGen C3279722, MONDO:0013550, OMIM 614065.
Myofibrillar myopathy 5. Also called: FILAMINOPATHY, AUTOSOMAL DOMINANT; Filaminopathy (type). Identifiers: Orphanet 171445, MedGen C1836050, MONDO:0012289, OMIM 609524.

Submission:

Labcorp Genetics (formerly Invitae), Labcorp
Classification: Uncertain significance for Distal myopathy with posterior leg and anterior hand involvement; Myofibrillar myopathy 5; Hypertrophic cardiomyopathy 26. Last evaluated: 2025-10-24. Review status: criteria provided, single submitter. Criteria: Invitae Variant Classification Sherloc (09022015). Collection method: clinical testing. Allele origin: germline.
Comment: This sequence change creates a premature translational stop signal (p.Tyr2704Serfs*9) in the FLNC gene. While this is not anticipated to result in nonsense mediated decay, it is expected to disrupt the last 22 amino acid(s) of the FLNC protein. This variant is not present in population databases (gnomAD no frequency). This variant has not been reported in the literature in individuals affected with FLNC-related conditions. ClinVar contains an entry for this variant (Variation ID: 2040119). In summary, the available evidence is currently insufficient to determine the role of this variant in disease. Therefore, it has been classified as a Variant of Uncertain Significance.